The following is an entry in ClinVar:

ClinVar aggregate classification (germline): Conflicting classifications of pathogenicity. Review status: criteria provided, conflicting classifications (1 of 4 stars). 5 submissions from 5 submitters: Uncertain significance (4); Likely benign (1). Last evaluated 2025-02-09.

Conditions:
Malignant hyperthermia, susceptibility to, 5 (MHS5). Also called: CACNA1S-Related Malignant Hyperthermia Susceptibility. Identifiers: Orphanet 423, MedGen C1866077, MONDO:0011163, OMIM 601887.
Hypokalemic periodic paralysis, type 1. Also called: HypoPP; Hypokalemic Periodic Paralysis Type 1 (AD). Identifiers: Orphanet 681, MedGen C3714580, MONDO:0042979, OMIM 170400.

Allele frequency attached by ClinVar (database versions not stated): gnomAD 0.00004; gnomAD exomes 0.00005 and 0.00013; TOPMed 0.00005; ExAC 0.00007; ESP Exome Variant Server 0.00015.
gnomAD v4.1: 185 of 1,614,068 alleles (0.011%); highest among the groups gnomAD compares: Non-Finnish European, 0.015%; no homozygotes.

Submissions (5):

Labcorp Genetics (formerly Invitae), Labcorp
Classification: Uncertain significance for Hypokalemic periodic paralysis, type 1; Malignant hyperthermia, susceptibility to, 5. Last evaluated: 2025-02-09. Review status: criteria provided, single submitter. Criteria: Invitae Variant Classification Sherloc (09022015). Collection method: clinical testing. Allele origin: germline.
Comment: This sequence change replaces tryptophan, which is neutral and slightly polar, with arginine, which is basic and polar, at codon 300 of the CACNA1S protein (p.Trp300Arg). This variant is present in population databases (rs370325121, gnomAD 0.009%). This variant has not been reported in the literature in individuals affected with CACNA1S-related conditions. ClinVar contains an entry for this variant (Variation ID: 474007). Invitae Evidence Modeling of protein sequence and biophysical properties (such as structural, functional, and spatial information, amino acid conservation, physicochemical variation, residue mobility, and thermodynamic stability) has been performed for this missense variant. However, the output from this modeling did not meet the statistical confidence thresholds required to predict the impact of this variant on CACNA1S protein function. In summary, the available evidence is currently insufficient to determine the role of this variant in disease. Therefore, it has been classified as a Variant of Uncertain Significance.

All of Us Research Program, National Institutes of Health
Classification: Uncertain significance for Malignant hyperthermia, susceptibility to, 5. Last evaluated: 2024-09-23. Review status: criteria provided, single submitter. Criteria: ACMG Guidelines, 2015. Collection method: clinical testing. Allele origin: germline. Inheritance: Autosomal dominant inheritance. Observed: 15 variant alleles, 15 heterozygotes.
Comment: This missense variant replaces tryptophan with arginine at codon 300 of the CACNA1S protein. Computational prediction suggests that this variant may have deleterious impact on protein structure and function (internally defined REVEL score threshold >= 0.7, PMID: 27666373). To our knowledge, functional studies have not been reported for this variant. This variant has not been reported in individuals affected with malignant hyperthermia in the literature. This variant has been identified in 14/282608 chromosomes in the general population by the Genome Aggregation Database (gnomAD). The available evidence is insufficient to determine the role of this variant in disease conclusively. Therefore, this variant is classified as a Variant of Uncertain Significance.

This study involves interpretation of variants in research participants for the purpose of population health screening. Participant phenotype was not available at the time of variant classification. Additional details can be found in publication PMID: 35346344, PMCID: PMC8962531

Color Diagnostics, LLC DBA Color Health
Classification: Uncertain significance for Malignant hyperthermia, susceptibility to, 5. Last evaluated: 2024-08-13. Review status: criteria provided, single submitter. Criteria: ACMG Guidelines, 2015. Collection method: clinical testing. Allele origin: germline.
Comment: This missense variant replaces tryptophan with arginine at codon 300 of the CACNA1S protein. Computational prediction suggests that this variant may have deleterious impact on protein structure and function. To our knowledge, functional studies have not been reported for this variant. This variant has not been reported in individuals affected with malignant hyperthermia in the literature. This variant has been identified in 14/282608 chromosomes in the general population by the Genome Aggregation Database (gnomAD). The available evidence is insufficient to determine the role of this variant in disease conclusively. Therefore, this variant is classified as a Variant of Uncertain Significance.

GeneDx
Classification: Uncertain significance. Last evaluated: 2023-02-08. Review status: criteria provided, single submitter. Criteria: GeneDx Variant Classification Process June 2021. Collection method: clinical testing. Allele origin: germline. Affected: yes.
Comment: In silico analysis supports that this missense variant has a deleterious effect on protein structure/function; Has not been previously published as pathogenic or benign to our knowledge

Illumina Laboratory Services, Illumina
Classification: Likely benign for Hypokalemic periodic paralysis, type 1. Last evaluated: 2018-01-12. Review status: criteria provided, single submitter. Criteria: ICSL Variant Classification Criteria 13 December 2019. Collection method: clinical testing. Allele origin: germline.
Comment: This variant was observed in the ICSL laboratory as part of a predisposition screen in an ostensibly healthy population. It had not been previously curated by ICSL or reported in the Human Gene Mutation Database (HGMD: prior to June 1st, 2018), and was therefore a candidate for classification through an automated scoring system. Utilizing variant allele frequency, disease prevalence and penetrance estimates, and inheritance mode, an automated score was calculated to assess if this variant is too frequent to cause the disease. Based on the score and internal cut-off values, a variant classified as likely benign is not then subjected to further curation. The score for this variant resulted in a classification of likely benign for this disease.

NM_000069.3(CACNA1S):c.898T>C (p.Trp300Arg)

Gene: CACNA1S (calcium voltage-gated channel subunit alpha1 S; minus strand). Cytogenetic location: 1q32.1.
Variant type: single nucleotide variant.
Coding change: c.898T>C on transcript NM_000069.3 (MANE Select); coding-DNA position 898, T replaced by C.
Protein change: p.Trp300Arg; replaces tryptophan 300 with arginine.
Molecular consequence: missense variant.
Genome position (GRCh38, 1-based): chr1:201,089,260, A>G on the plus strand (T>C on the coding strand, the complement: CACNA1S is on the minus strand). VCF-style: chr1-201089260-A-G. GRCh37 (hg19) VCF-style: chr1-201058388-A-G.
Other names: short protein forms W300R.
Identifiers: ClinVar variation 474007 (VCV000474007.14), dbSNP rs370325121, ClinGen allele CA084033.